The following is an entry in ClinVar:

ClinVar aggregate classification (germline): Uncertain significance (1 of 4 stars; one submission).

gnomAD v4.1: 1 of 1,614,172 alleles (0.000062%); highest among the groups gnomAD compares: Non-Finnish European, 0.000085%; no homozygotes.

Submission:

GeneDx
Classification: Uncertain significance. Last evaluated: 2023-11-01. Review status: criteria provided, single submitter. Criteria: GeneDx Variant Classification Process June 2021. Collection method: clinical testing. Allele origin: germline. Affected: yes.
Comment: Not observed at significant frequency in large population cohorts (gnomAD); In silico analysis supports that this missense variant does not alter protein structure/function; Has not been previously published as pathogenic or benign to our knowledge.

NM_002335.4(LRP5):c.4535A>G (p.Asn1512Ser)

Gene: LRP5 (LDL receptor related protein 5; plus strand). Cytogenetic location: 11q13.2.
Variant type: single nucleotide variant.
Coding change: c.4535A>G on transcript NM_002335.4 (MANE Select); coding-DNA position 4535, A replaced by G.
Protein change: p.Asn1512Ser; replaces asparagine 1512 with serine.
Molecular consequence: missense variant.
Genome position (GRCh38, 1-based): chr11:68,446,482, A>G. VCF-style: chr11-68446482-A-G. GRCh37 (hg19) VCF-style: chr11-68213950-A-G.
Other names: c.2792A>G, p.Asn931Ser (NM_001291902.2); short protein forms N1512S, N931S.
Identifiers: ClinVar variation 3363864 (VCV003363864.1).